The following is an entry in ClinVar:

ClinVar aggregate classification (germline): Uncertain significance (1 of 4 stars; one submission).

Conditions:
Generalized epilepsy-paroxysmal dyskinesia syndrome (PNKD3). Also called: Generalized epilepsy and paroxysmal dyskinesia; Paroxysmal nonkinesigenic dyskinesia, 3, with or without generalized epilepsy. Identifiers: Orphanet 79137, MedGen C5574945, MONDO:0012276, OMIM 609446.

Submission:

Labcorp Genetics (formerly Invitae), Labcorp
Classification: Uncertain significance for Generalized epilepsy-paroxysmal dyskinesia syndrome. Last evaluated: 2024-08-31. Review status: criteria provided, single submitter. Criteria: Invitae Variant Classification Sherloc (09022015). Collection method: clinical testing. Allele origin: germline.
Comment: This variant, c.22_33del, results in the deletion of 4 amino acid(s) of the KCNMA1 protein (p.Gly8_Ser11del), but otherwise preserves the integrity of the reading frame. The frequency data for this variant in the population databases is considered unreliable, as metrics indicate poor data quality at this position in the gnomAD database. This variant has not been reported in the literature in individuals affected with KCNMA1-related conditions. Experimental studies and prediction algorithms are not available or were not evaluated, and the functional significance of this variant is currently unknown. In summary, the available evidence is currently insufficient to determine the role of this variant in disease. Therefore, it has been classified as a Variant of Uncertain Significance.

NM_001161352.2(KCNMA1):c.22_33del (p.Gly8_Ser11del)

Gene: KCNMA1 (potassium calcium-activated channel subfamily M alpha 1; minus strand). Cytogenetic location: 10q22.3.
Variant type: Deletion.
Coding change: c.22_33del on transcript NM_001161352.2 (MANE Select); coding-DNA positions 22 to 33, 12 bases deleted (GGCGGCGGCAGC).
Protein change: p.Gly8_Ser11del.
Genome position (GRCh38, 1-based): chr10:77,637,610-77,637,621, GCTGCCGCCGCC deleted on the plus strand (GGCGGCGGCAGC on the coding strand, the reverse complement: KCNMA1 is on the minus strand); deleting any 12 consecutive bases within chr10:77,637,610-77,637,623 gives the same sequence; the c. name uses the placement nearest the transcript's 3' end. VCF-style (leftmost placement, unchanged base first): chr10-77637609-TGCTGCCGCCGCC-T. GRCh37 (hg19) VCF-style: chr10-79397367-TGCTGCCGCCGCC-T.
Other names: c.22_33del, p.Gly8_Ser11del (NM_001271520.2, NM_001271521.2, NM_001271522.2 and 13 more transcripts).
Identifiers: ClinVar variation 3668694 (VCV003668694.2).